The following is an entry in ClinVar:

NM_152559.3(METTL27):c.686C>T (p.Pro229Leu)

Gene: METTL27 (methyltransferase like 27; minus strand). Cytogenetic location: 7q11.23.
Variant type: single nucleotide variant.
Coding change: c.686C>T on transcript NM_152559.3 (MANE Select); coding-DNA position 686, C replaced by T.
Protein change: p.Pro229Leu; replaces proline 229 with leucine.
Molecular consequence: missense variant.
Genome position (GRCh38, 1-based): chr7:73,834,795, G>A on the plus strand (C>T on the coding strand, the complement: METTL27 is on the minus strand). VCF-style: chr7-73834795-G-A. GRCh37 (hg19) VCF-style: chr7-73249125-G-A.
Other names: short protein forms P229L.
Identifiers: ClinVar variation 2657570 (VCV002657570.24), dbSNP rs139220872, ClinGen allele CA4291604.

ClinVar aggregate classification (germline): Likely benign (1 of 4 stars; one submission).

Allele frequency attached by ClinVar (database versions not stated): ESP Exome Variant Server 0.00046; TOPMed 0.00047; gnomAD 0.00053; 1000 Genomes Project 30x 0.00062; 1000 Genomes Project 0.00080.

Submission:

CeGaT Center for Human Genetics Tuebingen
Classification: Likely benign. Last evaluated: 2026-03-01. Review status: criteria provided, single submitter. Criteria: CeGaT Center For Human Genetics Tuebingen Variant Classification Criteria Version 2. Collection method: clinical testing. Allele origin: germline. Affected: yes. Observed: 3 variant alleles.
Comment: METTL27: BP4, BS1